The following is an entry in ClinVar:

ClinVar aggregate classification (germline): Uncertain significance (1 of 4 stars; one submission).

Submission:

Labcorp Genetics (formerly Invitae), Labcorp
Classification: Uncertain significance. Last evaluated: 2025-11-28. Review status: criteria provided, single submitter. Criteria: Invitae Variant Classification Sherloc (09022015). Collection method: clinical testing. Allele origin: germline.
Comment: This sequence change falls in intron 5 of the GNAT1 gene. It does not directly change the encoded amino acid sequence of the GNAT1 protein. It affects a nucleotide within the consensus splice site. This variant is not present in population databases (gnomAD no frequency). This variant has not been reported in the literature in individuals affected with GNAT1-related conditions. Variants that disrupt the consensus splice site are a relatively common cause of aberrant splicing (PMID: 17576681, 9536098). Algorithms developed to predict the effect of sequence changes on RNA splicing suggest that this variant is not likely to affect RNA splicing. In summary, the available evidence is currently insufficient to determine the role of this variant in disease. Therefore, it has been classified as a Variant of Uncertain Significance.

Literature cited by the submitters: PubMed 17576681; PubMed 9536098.

NM_144499.3(GNAT1):c.578+4C>A

Gene: GNAT1 (G protein subunit alpha transducin 1; plus strand). Cytogenetic location: 3p21.31.
Variant type: single nucleotide variant.
Coding change: c.578+4C>A on transcript NM_144499.3 (MANE Select); 4 bases into the intron after coding-DNA position 578, C replaced by A.
Molecular consequence: intron variant.
Genome position (GRCh38, 1-based): chr3:50,193,885, C>A. VCF-style: chr3-50193885-C-A. GRCh37 (hg19) VCF-style: chr3-50231318-C-A.
Other names: c.578+4C>A (NM_000172.4).
Identifiers: ClinVar variation 4727083 (VCV004727083.1).